The following is an entry in ClinVar:

ClinVar aggregate classification (germline): Uncertain significance. Review status: criteria provided, multiple submitters, no conflicts (2 of 4 stars). 2 submissions from 2 submitters: Uncertain significance (2). Last evaluated 2025-01-27.

Allele frequency attached by ClinVar (database versions not stated): gnomAD exomes below 0.00001; gnomAD 0.00001; TOPMed 0.00001.
gnomAD v4.1: 14 of 1,614,042 alleles (0.00087%); highest among the groups gnomAD compares: East Asian, 0.0022%; no homozygotes.

Submissions (2):

GeneDx
Classification: Uncertain significance. Last evaluated: 2025-01-27. Review status: criteria provided, single submitter. Criteria: GeneDx Variant Classification Process June 2021. Collection method: clinical testing. Allele origin: germline. Affected: yes.
Comment: Not observed at significant frequency in large population cohorts (gnomAD); In silico analysis indicates that this missense variant does not alter protein structure/function; Has not been previously published as pathogenic or benign to our knowledge

Labcorp Genetics (formerly Invitae), Labcorp
Classification: Uncertain significance. Last evaluated: 2024-07-08. Review status: criteria provided, single submitter. Criteria: Invitae Variant Classification Sherloc (09022015). Collection method: clinical testing. Allele origin: germline.
Comment: This sequence change replaces threonine, which is neutral and polar, with isoleucine, which is neutral and non-polar, at codon 789 of the MYO6 protein (p.Thr789Ile). This variant is not present in population databases (gnomAD no frequency). This variant has not been reported in the literature in individuals affected with MYO6-related conditions. ClinVar contains an entry for this variant (Variation ID: 1991975). Advanced modeling of protein sequence and biophysical properties (such as structural, functional, and spatial information, amino acid conservation, physicochemical variation, residue mobility, and thermodynamic stability) performed at Invitae indicates that this missense variant is not expected to disrupt MYO6 protein function with a negative predictive value of 80%. In summary, the available evidence is currently insufficient to determine the role of this variant in disease. Therefore, it has been classified as a Variant of Uncertain Significance.

NM_004999.4(MYO6):c.2366C>T (p.Thr789Ile)

Gene: MYO6 (myosin VI; plus strand). Cytogenetic location: 6q14.1.
Variant type: single nucleotide variant.
Coding change: c.2366C>T on transcript NM_004999.4 (MANE Select); coding-DNA position 2366, C replaced by T.
Protein change: p.Thr789Ile; replaces threonine 789 with isoleucine.
Molecular consequence: missense variant. On other transcripts: non-coding transcript variant (1).
Genome position (GRCh38, 1-based): chr6:75,881,768, C>T. VCF-style: chr6-75881768-C-T. GRCh37 (hg19) VCF-style: chr6-76591485-C-T.
Other names: c.2366C>T, p.Thr789Ile (NM_001300899.2, NM_001368136.1, NM_001368137.1 and 2 more transcripts); c.2351C>T, p.Thr784Ile (NM_001368138.1); c.2366C>T (NM_004999.3); short protein forms T784I, T789I.
Identifiers: ClinVar variation 1991975 (VCV001991975.5), dbSNP rs1004973181, ClinGen allele CA141079976.
Genomic context (GRCh38, chr6:75,881,768, plus strand): 5'-TCATGAAGTCTGACCCTGACCACTTAGCAGAGTTGGTTAAAAGAGTCAATCACTGGCTCA[C>T]ATGCAGTCGCTGGAAGAAAGTTCAGTGGTGCTCACTCTCAGTCATCAAATGTAGGTGTTT-3'
Protein context (NP_004990.3, residues 779-799): ELVKRVNHWL[Thr789Ile]CSRWKKVQWC